The following is an entry in ClinVar:

NM_003803.4(MYOM1):c.2101G>T (p.Asp701Tyr)

Gene: MYOM1 (myomesin 1; minus strand). Cytogenetic location: 18p11.31.
Variant type: single nucleotide variant.
Coding change: c.2101G>T on transcript NM_003803.4 (MANE Select); coding-DNA position 2101, G replaced by T.
Protein change: p.Asp701Tyr; replaces aspartic acid 701 with tyrosine.
Molecular consequence: missense variant.
Genome position (GRCh38, 1-based): chr18:3,135,655, C>A on the plus strand (G>T on the coding strand, the complement: MYOM1 is on the minus strand). VCF-style: chr18-3135655-C-A. GRCh37 (hg19) VCF-style: chr18-3135653-C-A.
Other names: c.2101G>T, p.Asp701Tyr (NM_019856.2); short protein forms D701Y.
Identifiers: ClinVar variation 3715133 (VCV003715133.2).
Genomic context (GRCh38, chr18:3,135,655, plus strand): 5'-CAACTCCTGCAGAATTAGAACAGCGGACACGGAAACAGTAGGATTTCCCCTCGGCCAAGT[C>A]AAACAGAGCAAAGCGGGGAGACTTCACAGGGAGCTCCGTGTTCACTCGCTGCCAGTTTTC-3'
Protein context (NP_003794.3, residues 691-711): PVKSPRFALF[Asp701Tyr]LAEGKSYCFR

ClinVar aggregate classification (germline): Uncertain significance (1 of 4 stars; one submission).

Conditions:
Hypertrophic cardiomyopathy. Also called: HYPERTROPHIC MYOCARDIOPATHY. Identifiers: Orphanet 217569, MedGen C0007194, MeSH D002312, MONDO:0005045, HP:0001639.

Submission:

Labcorp Genetics (formerly Invitae), Labcorp
Classification: Uncertain significance for Hypertrophic cardiomyopathy. Last evaluated: 2025-01-12. Review status: criteria provided, single submitter. Criteria: Invitae Variant Classification Sherloc (09022015). Collection method: clinical testing. Allele origin: germline.
Comment: This sequence change replaces aspartic acid, which is acidic and polar, with tyrosine, which is neutral and polar, at codon 701 of the MYOM1 protein (p.Asp701Tyr). This variant is not present in population databases (gnomAD no frequency). This variant has not been reported in the literature in individuals affected with MYOM1-related conditions. Invitae Evidence Modeling of protein sequence and biophysical properties (such as structural, functional, and spatial information, amino acid conservation, physicochemical variation, residue mobility, and thermodynamic stability) has been performed for this missense variant. However, the output from this modeling did not meet the statistical confidence thresholds required to predict the impact of this variant on MYOM1 protein function. In summary, the available evidence is currently insufficient to determine the role of this variant in disease. Therefore, it has been classified as a Variant of Uncertain Significance.